The following continues an entry in ClinVar:

NM_024649.5(BBS1):c.442G>A (p.Asp148Asn)

Gene: BBS1. ClinVar aggregate classification (germline): Conflicting classifications of pathogenicity. Pathogenic (3); Likely pathogenic (7); Uncertain significance (4).

Submissions 12 to 15 of 15:

GeneDx
Classification: Uncertain significance. Last evaluated: 2022-06-02. Review status: criteria provided, single submitter. Criteria: GeneDx Variant Classification Process June 2021. Collection method: clinical testing. Allele origin: germline. Affected: yes.
Comment: Published functional studies suggest a damaging effect (Zaghloul et al., 2010); In silico analysis supports that this missense variant has a deleterious effect on protein structure/function; This variant is associated with the following publications: (PMID: 12677556, 12872256, 28844620, 29265593, 24705292, 31534736, 23559858, 20498079)

Myriad Genetics, Inc.
Classification: Uncertain significance for Bardet-Biedl syndrome 1. Last evaluated: 2021-10-20. Review status: criteria provided, single submitter. Criteria: Myriad Women's Health Autosomal Recessive and X-Linked Classification Criteria (2021). Collection method: clinical testing. Allele origin: unknown.
Comment: NM_024649.4(BBS1):c.442G>A(D148N) is a missense variant classified as a variant of uncertain significance in the context of Bardet-Biedl syndrome, BBS1-related. D148N has been observed in cases with relevant disease (PMID: 12677556, 23559858, 31534736). Functional assessments of this variant are not available in the literature. D148N has been observed in population frequency databases (gnomAD: SAS 0.23%). In summary, there is insufficient evidence to classify NM_024649.4(BBS1):c.442G>A(D148N) as pathogenic or benign. Please note: this variant was assessed in the context of healthy population screening.

Lifecell International Pvt. Ltd
Classification: Pathogenic for Bardet-Biedl syndrome 1. Review status: criteria provided, single submitter. Criteria: ACMG Guidelines, 2015. Collection method: clinical testing. Allele origin: germline. Inheritance: Autosomal recessive inheritance. Affected: yes. Observed: 1 homozygote.
Comment: A Homozygote Missense variant c.442G>A in Exon 5 of the BBS1 gene that results in the amino acid substitution p.Asp148Asn was identified. The observed variant has allele frequency of 0.00029/0.00 % in gnomAD exomes and genomes, respectively. The severity of the impact of this variant on the protein is medium, based on the effect of the protein and REVEL score . Rare Exome Variant Ensemble Learner (REVEL) is an ensembl method for predicting the pathogenicity of missense variants based on a combination of scores from 13 individual tools: MutPred, FATHMM v2.3, VEST 3.0, PolyPhen-2, SIFT, PROVEAN, MutationAssessor, MutationTaster, LRT, GERP++, SiPhy, phyloP, and phastCons. The REVEL score for an individual missense variant can range from 0 to 1, with higher scores reflecting greater likelihood that the variant is disease-causing. ClinVar has also classified this variant as Pathogenic(ClinVar ID: 645579). Experimental studies have shown that this missense change affects BBS1 function(Zaghloul NA et al., 2010). This missense change has been observed in individual(s) with Bardet-Biedl syndrome (Ajmal M et al., 2013). Based on the above evidence this variant has been classified as Pathogenic according to the ACMG guidelines.

Natera, Inc.
Classification: Likely pathogenic for Bardet-Biedl syndrome type 1. Last evaluated: 2020-09-16. Review status: no assertion criteria provided. Collection method: clinical testing. Allele origin: germline. Not counted in ClinVar's aggregate classification.

Literature cited by the submitters: PubMed 12872256 (cited by Women's Health and Genetics/Laboratory Corporation of America, LabCorp); PubMed 12677556 (cited by 4 submitters); PubMed 20498079 (cited by 3 submitters); PubMed 23559858 (cited by 5 submitters); PubMed 20301537 (cited by Victorian Clinical Genetics Services, Murdoch Childrens Research Institute); PubMed 31534736 (cited by Myriad Genetics, Inc.).